The following is an entry in ClinVar:

ClinVar aggregate classification (germline): Uncertain significance. Review status: criteria provided, multiple submitters, no conflicts (2 of 4 stars). 2 submissions from 2 submitters: Uncertain significance (2). Last evaluated 2025-04-05.

Conditions:
Inborn genetic diseases. Identifiers: MedGen C0950123, MeSH D030342.

Allele frequency attached by ClinVar (database versions not stated): gnomAD exomes below 0.00001; TOPMed below 0.00001.
gnomAD v4.1: 3 of 1,612,166 alleles (0.00019%); highest among the groups gnomAD compares: African/African-American, 0.004%; no homozygotes.

Submissions (2):

Ambry Genetics
Classification: Uncertain significance for Inborn genetic diseases. Last evaluated: 2025-04-05. Review status: criteria provided, single submitter. Criteria: Ambry Variant Classification Scheme 2023. Collection method: clinical testing. Allele origin: germline.
Comment: The p.K819E variant (also known as c.2455A>G), located in coding exon 14 of the FANCM gene, results from an A to G substitution at nucleotide position 2455. The lysine at codon 819 is replaced by glutamic acid, an amino acid with similar properties. This amino acid position is conserved. In addition, this alteration is predicted to be tolerated by in silico analysis. Based on the available evidence, the clinical significance of this variant remains unclear.

GeneDx
Classification: Uncertain significance. Last evaluated: 2022-07-06. Review status: criteria provided, single submitter. Criteria: GeneDx Variant Classification Process June 2021. Collection method: clinical testing. Allele origin: germline. Affected: yes.
Comment: Not observed at significant frequency in large population cohorts (gnomAD); In silico analysis supports that this missense variant does not alter protein structure/function; Has not been previously published as pathogenic or benign to our knowledge

NM_020937.4(FANCM):c.2455A>G (p.Lys819Glu)

Gene: FANCM (FA complementation group M; plus strand). Cytogenetic location: 14q21.2.
Variant type: single nucleotide variant.
Coding change: c.2455A>G on transcript NM_020937.4 (MANE Select); coding-DNA position 2455, A replaced by G.
Protein change: p.Lys819Glu; replaces lysine 819 with glutamic acid.
Molecular consequence: missense variant.
Genome position (GRCh38, 1-based): chr14:45,175,209, A>G. VCF-style: chr14-45175209-A-G. GRCh37 (hg19) VCF-style: chr14-45644412-A-G.
Other names: c.2377A>G, p.Lys793Glu (NM_001308133.2); short protein forms K819E, K793E.
Identifiers: ClinVar variation 1810654 (VCV001810654.2), dbSNP rs1888587092, ClinGen allele CA389597885.
Genomic context (GRCh38, chr14:45,175,209, plus strand): 5'-AATGAATCTAATAATCTTGCCAGTGACACCTTTATCACTCACAAGAAATCGTCATTTATA[A>G]AGAACATAAATCAAGGCAGTTCATCCTCAGTGATAGAATCTGATGAAGAATGTGCTGAAA-3'
Protein context (NP_065988.1, residues 809-829): FITHKKSSFI[Lys819Glu]NINQGSSSSV